The following is an entry in ClinVar:

ClinVar aggregate classification (germline): Uncertain significance (1 of 4 stars; one submission).

Conditions:
Leber congenital amaurosis 2 (LCA2). Also called: Autosomal Recessive RPE65-Related Retinal Degeneration; AMAUROSIS CONGENITA OF LEBER II. Identifiers: Orphanet 65, MedGen C1859844, MONDO:0008765, OMIM 204100. Disease mechanism: loss of function.
Retinitis pigmentosa 20 (RP20). Identifiers: Orphanet 791, MedGen C3151086, MONDO:0013425, OMIM 613794.

gnomAD v4.1: 2 of 1,614,202 alleles (0.00012%); highest among the groups gnomAD compares: East Asian, 0.0045%; no homozygotes.

Submission:

Labcorp Genetics (formerly Invitae), Labcorp
Classification: Uncertain significance for Leber congenital amaurosis 2; Retinitis pigmentosa 20. Last evaluated: 2024-11-05. Review status: criteria provided, single submitter. Criteria: Invitae Variant Classification Sherloc (09022015). Collection method: clinical testing. Allele origin: germline.
Comment: This sequence change replaces aspartic acid, which is acidic and polar, with valine, which is neutral and non-polar, at codon 142 of the RPE65 protein (p.Asp142Val). This variant is not present in population databases (gnomAD no frequency). This variant has not been reported in the literature in individuals affected with RPE65-related conditions. ClinVar contains an entry for this variant (Variation ID: 2010165). Invitae Evidence Modeling of protein sequence and biophysical properties (such as structural, functional, and spatial information, amino acid conservation, physicochemical variation, residue mobility, and thermodynamic stability) has been performed for this missense variant. However, the output from this modeling did not meet the statistical confidence thresholds required to predict the impact of this variant on RPE65 protein function. In summary, the available evidence is currently insufficient to determine the role of this variant in disease. Therefore, it has been classified as a Variant of Uncertain Significance.

NM_000329.3(RPE65):c.425A>T (p.Asp142Val)

Gene: RPE65 (retinoid isomerohydrolase RPE65; minus strand). Cytogenetic location: 1p31.3.
Variant type: single nucleotide variant.
Coding change: c.425A>T on transcript NM_000329.3 (MANE Select); coding-DNA position 425, A replaced by T.
Protein change: p.Asp142Val; replaces aspartic acid 142 with valine.
Molecular consequence: missense variant.
Genome position (GRCh38, 1-based): chr1:68,444,601, T>A on the plus strand (A>T on the coding strand, the complement: RPE65 is on the minus strand). VCF-style: chr1-68444601-T-A. GRCh37 (hg19) VCF-style: chr1-68910284-T-A.
Other names: c.317A>T, p.Asp106Val (NM_001406853.1); c.149A>T, p.Asp50Val (NM_001406856.1, NM_001406857.1); c.425A>T, p.Asp142Val (NM_001406859.1, NM_001406860.1); short protein forms D106V, D142V, D50V.
Identifiers: ClinVar variation 2010165 (VCV002010165.4), dbSNP rs1645928017, ClinGen allele CA340747820.